The following is an entry in ClinVar:

NM_005909.5(MAP1B):c.-1G>C

Gene: MAP1B (microtubule associated protein 1B; plus strand). Cytogenetic location: 5q13.2.
Variant type: single nucleotide variant.
Coding change: c.-1G>C on transcript NM_005909.5 (MANE Select); 1 bases upstream of the start codon, G replaced by C.
Molecular consequence: 5 prime UTR variant.
Genome position (GRCh38, 1-based): chr5:72,107,531, G>C. VCF-style: chr5-72107531-G-C. GRCh37 (hg19) VCF-style: chr5-71403358-G-C.
Identifiers: ClinVar variation 2497919 (VCV002497919.1), dbSNP rs2478725685, ClinGen allele CA2580073396.

ClinVar aggregate classification (germline): Uncertain significance (1 of 4 stars; one submission).

Submission:

GeneDx
Classification: Uncertain significance. Last evaluated: 2022-10-09. Review status: criteria provided, single submitter. Criteria: GeneDx Variant Classification Process June 2021. Collection method: clinical testing. Allele origin: germline. Affected: yes.
Comment: Not observed at significant frequency in large population cohorts (gnomAD); Variant located in the Kozak sequence just upstream of the ATG translational start site, which plays a major role in the initiation of translation; however, in the absence of RNA/functional studies, the actual effect of this sequence change in this individual is unknown; Has not been previously published as pathogenic or benign to our knowledge